The following is an entry in ClinVar:

ClinVar aggregate classification (germline): Uncertain significance. Review status: criteria provided, multiple submitters, no conflicts (2 of 4 stars). 9 submissions from 9 submitters: Uncertain significance (8). 1 of the submissions does not count toward it. Last evaluated 2025-12-23.

Conditions:
BRCA2-related cancer predisposition. Identifiers: MedGen CN377758, MONDO:0700269.
Hereditary cancer-predisposing syndrome. Also called: Tumor predisposition; Neoplastic Syndromes, Hereditary; Hereditary neoplastic syndrome; Hereditary Cancer Syndrome. Identifiers: Orphanet 140162, MedGen C0027672, MeSH D009386, MONDO:0015356.
Hereditary breast ovarian cancer syndrome. Also called: Hereditary breast and ovarian cancer; BRCA1- and BRCA2-Associated Hereditary Breast and Ovarian Cancer; Hereditary breast and/or ovarian cancer syndrome; Hereditary breast and ovarian cancer syndrome; Breast and ovarian cancer; Hereditary breast and ovarian cancer syndrome (HBOC). Identifiers: Orphanet 145, MedGen C0677776, MeSH D061325, MONDO:0003582. Disease mechanism: loss of function.
Breast-ovarian cancer, familial, susceptibility to, 2 (BROVCA2). Also called: BRCA2 Hereditary Breast and Ovarian Cancer. Identifiers: Orphanet 145, MedGen C2675520, MONDO:0012933, OMIM 612555. Disease mechanism: loss of function.

Submissions (9):

Labcorp Genetics (formerly Invitae), Labcorp
Classification: Uncertain significance for Hereditary breast ovarian cancer syndrome. Last evaluated: 2025-12-23. Review status: criteria provided, single submitter. Criteria: Invitae Variant Classification Sherloc (09022015). Collection method: clinical testing. Allele origin: germline.
Comment: This variant, c.2927_2929del, results in the deletion of 1 amino acid(s) of the BRCA2 protein (p.Ser976del), but otherwise preserves the integrity of the reading frame. This variant is present in population databases (rs751328384, gnomAD 0.004%). This variant has been observed in individual(s) with breast and/or ovarian cancer (PMID: 17262179). ClinVar contains an entry for this variant (Variation ID: 51373). Experimental studies and prediction algorithms are not available or were not evaluated, and the functional significance of this variant is currently unknown. In summary, the available evidence is currently insufficient to determine the role of this variant in disease. Therefore, it has been classified as a Variant of Uncertain Significance.

All of Us Research Program, National Institutes of Health
Classification: Uncertain significance for BRCA2-related cancer predisposition. Last evaluated: 2024-07-10. Review status: criteria provided, single submitter. Criteria: ACMG Guidelines, 2015. Collection method: clinical testing. Allele origin: germline. Inheritance: Autosomal dominant inheritance. Observed: 4 variant alleles, 4 heterozygotes.
Comment: This variant causes an in-frame deletion of serine at position 976 in the BRCA2 protein. To our knowledge, functional studies have not been reported for this variant. This variant has been reported in one individual affected with breast cancer and in one unaffected individual (PMID: 17262179, 30287823). This variant has been identified in 2/280480 chromosomes in the general population by the Genome Aggregation Database (gnomAD). The available evidence is insufficient to determine the role of this variant in disease conclusively. Therefore, this variant is classified as a Variant of Uncertain Significance.

This study involves interpretation of variants in research participants for the purpose of population health screening. Participant phenotype was not available at the time of variant classification. Additional details can be found in publication PMID: 35346344, PMCID: PMC8962531

Color Diagnostics, LLC DBA Color Health
Classification: Uncertain significance for Hereditary cancer-predisposing syndrome. Last evaluated: 2024-06-17. Review status: criteria provided, single submitter. Criteria: ACMG Guidelines, 2015. Collection method: clinical testing. Allele origin: germline.
Comment: This variant causes an in-frame deletion of serine at position 976 in the BRCA2 protein. To our knowledge, functional studies have not been reported for this variant. This variant has been reported in one individual affected with breast cancer and in one unaffected individual (PMID: 17262179, 30287823). This variant has been identified in 2/280480 chromosomes in the general population by the Genome Aggregation Database (gnomAD). The available evidence is insufficient to determine the role of this variant in disease conclusively. Therefore, this variant is classified as a Variant of Uncertain Significance.

Ambry Genetics
Classification: Uncertain significance for Hereditary cancer-predisposing syndrome. Last evaluated: 2024-04-12. Review status: criteria provided, single submitter. Criteria: Ambry Variant Classification Scheme 2023. Collection method: clinical testing. Allele origin: germline.
Comment: The c.2927_2929delCCT variant (also known as p.S976del) is located in coding exon 10 of the BRCA2 gene. This variant results from an in-frame CCT deletion at nucleotide positions 2927 to 2929. This results in the in-frame deletion of a serine at codon 976. The deleted amino acid position is well conserved in available vertebrate species. In addition, this alteration is predicted to be deleterious by in silico analysis (Choi Y et al. PLoS ONE. 2012; 7(10):e46688). Since supporting evidence is limited at this time, the clinical significance of this alteration remains unclear.

KCCC/NGS Laboratory, Kuwait Cancer Control Center
Classification: Uncertain significance for Breast-ovarian cancer, familial, susceptibility to, 2. Last evaluated: 2023-06-06. Review status: criteria provided, single submitter. Criteria: ACMG Guidelines, 2015. Collection method: clinical testing. Allele origin: germline. Affected: yes.
Comment: a variant of uncertain significance in the BRCA2 gene. The variant in the BRCA2 gene results in a nonframeshift deletion of a single amino acid. This mutation is not listed in ClinVar or LOVD. Since it is a variant of uncertain significance, the diagnosis of hereditary cancer syndrome is NOT confirmed. Pathogenic mutations in the BRCA2 gene cause hereditary breast/ovarian cancer syndrome.

Blueprint Genetics
Classification: Uncertain significance. Last evaluated: 2023-03-09. Review status: criteria provided, single submitter. Criteria: ACMG Guidelines, 2015. Collection method: clinical testing. Allele origin: germline.

GeneDx
Classification: Uncertain significance. Last evaluated: 2022-06-12. Review status: criteria provided, single submitter. Criteria: GeneDx Variant Classification Process June 2021. Collection method: clinical testing. Allele origin: germline. Affected: yes.
Comment: Not observed at significant frequency in large population cohorts (gnomAD); In-frame deletion of 1 amino acids in a non-repeat region; In silico analysis supports a deleterious effect on protein structure/function; Observed in an individual with breast cancer in published literature (Beristain 2007); Also known as 3155_3157delCCT; 3155_3157del; This variant is associated with the following publications: (PMID: 19941162, 20054658, 23929434, 31131967, 30287823, 17262179)

Quest Diagnostics Nichols Institute San Juan Capistrano
Classification: Uncertain significance. Last evaluated: 2020-12-04. Review status: criteria provided, single submitter. Criteria: Quest Diagnostics criteria. Collection method: clinical testing. Allele origin: unknown.

Breast Cancer Information Core (BIC) (BRCA2)
Classification: Uncertain significance for Breast-ovarian cancer, familial 2. Last evaluated: 2004-02-20. Review status: no assertion criteria provided. Collection method: clinical testing. Allele origin: germline. Affected: yes. Observed: 2 variant alleles. Not counted in ClinVar's aggregate classification.

Literature cited by the submitters: PubMed 17262179 (cited by 4 submitters); PubMed 30287823 (cited by 4 submitters); PubMed 19941162 (cited by Ambry Genetics and Quest Diagnostics Nichols Institute San Juan Capistrano); PubMed 30630528 (cited by Ambry Genetics).

NM_000059.4(BRCA2):c.2927_2929del (p.Ser976del)

Gene: BRCA2 (BRCA2 DNA repair associated; plus strand). Cytogenetic location: 13q13.1.
Variant type: Deletion.
Coding change: c.2927_2929del on transcript NM_000059.4 (MANE Select); coding-DNA positions 2927 to 2929, 3 bases deleted (CCT; older notation c.2927_2929delCCT).
Protein change: p.Ser976del; deletes serine 976.
Molecular consequence: inframe deletion.
Genome position (GRCh38, 1-based): chr13:32,337,282-32,337,284, CCT deleted; deleting any 3 consecutive bases within chr13:32,337,280-32,337,284 gives the same sequence; the c. name uses the placement nearest the transcript's 3' end. VCF-style (leftmost placement, unchanged base first): chr13-32337279-TCTC-T. GRCh37 (hg19) VCF-style: chr13-32911416-TCTC-T.
Other names: c.2927_2929delCCT (NM_000059.3); short protein forms S976del.
Identifiers: ClinVar variation 51373 (VCV000051373.25), dbSNP rs80359363, ClinGen allele CA016811.